The following is an entry in ClinVar:

NM_001165963.4(SCN1A):c.965G>T (p.Arg322Ile)

Gene: SCN1A (sodium voltage-gated channel alpha subunit 1; minus strand). Cytogenetic location: 2q24.3.
Variant type: single nucleotide variant.
Coding change: c.965G>T on transcript NM_001165963.4 (MANE Select); coding-DNA position 965, G replaced by T.
Protein change: p.Arg322Ile; replaces arginine 322 with isoleucine.
Molecular consequence: missense variant. On other transcripts: 5 prime UTR variant (1), non-coding transcript variant (1).
Genome position (GRCh38, 1-based): chr2:166,048,949, C>A on the plus strand (G>T on the coding strand, the complement: SCN1A is on the minus strand). VCF-style: chr2-166048949-C-A. GRCh37 (hg19) VCF-style: chr2-166905459-C-A.
Other names: c.965G>T, p.Arg322Ile (NM_001165964.3, NM_001202435.3, NM_001353948.2 and 10 more transcripts); c.-1461G>T (NM_001353961.2); short protein forms R322I.
Identifiers: ClinVar variation 68584 (VCV000068584.9), dbSNP rs121917928, ClinGen allele CA285057.

ClinVar aggregate classification (germline): Pathogenic. Review status: criteria provided, single submitter (1 of 4 stars). 2 submissions from 2 submitters: Pathogenic (1). 1 of the submissions does not count toward it. Last evaluated 2023-01-30.

Conditions:
Early-infantile DEE. Also called: Early infantile epileptic encephalopathy; Early infantile epileptic encephalopathy with suppression bursts; Ohtahara syndrome. Identifiers: Orphanet 1934, MedGen C0393706, MONDO:0800491.
Severe myoclonic epilepsy in infancy (DRVT). Also called: SEVERE MYOCLONIC EPILEPSY OF INFANCY; DEVELOPMENTAL AND EPILEPTIC ENCEPHALOPATHY 6A; Severe Myoclonic Epilepsy in Infancy (SMEI); Dravet syndrome; Epileptic encephalopathy, early infantile, 6 (Dravet syndrome). Identifiers: Orphanet 33069, MedGen C0751122, MONDO:0100135, OMIM 607208.

Submissions (2):

Labcorp Genetics (formerly Invitae), Labcorp
Classification: Pathogenic for Early-infantile DEE. Last evaluated: 2023-01-30. Review status: criteria provided, single submitter. Criteria: Invitae Variant Classification Sherloc (09022015). Collection method: clinical testing. Allele origin: germline.
Comment: ClinVar contains an entry for this variant (Variation ID: 68584). For these reasons, this variant has been classified as Pathogenic. Experimental studies have shown that this missense change affects SCN1A function (PMID: 30146492). Algorithms developed to predict the effect of missense changes on protein structure and function are either unavailable or do not agree on the potential impact of this missense change (SIFT: "Deleterious"; PolyPhen-2: "Benign"; Align-GVGD: "Class C15"). This missense change has been observed in individual(s) with Dravet syndrome (PMID: 17561957, 18930999, 30146492). This variant is not present in population databases (gnomAD no frequency). This sequence change replaces arginine, which is basic and polar, with isoleucine, which is neutral and non-polar, at codon 322 of the SCN1A protein (p.Arg322Ile).

UniProtKB/Swiss-Prot
No classification provided. Condition: Severe myoclonic epilepsy in infancy. Review status: no classification provided. Collection method: not provided. Allele origin: unknown. Not counted in ClinVar's aggregate classification.

Literature cited by the submitters: PubMed 30146492 (cited by Labcorp Genetics (formerly Invitae), Labcorp); PubMed 17561957 (cited by Labcorp Genetics (formerly Invitae), Labcorp); PubMed 18930999 (cited by Labcorp Genetics (formerly Invitae), Labcorp).